The following is an entry in ClinVar:

ClinVar aggregate classification (germline): Conflicting classifications of pathogenicity. Review status: criteria provided, conflicting classifications (1 of 4 stars). 2 submissions from 2 submitters: Uncertain significance (1); Likely benign (1). Last evaluated 2024-08-07.

Conditions:
Tumor predisposition syndrome 3 (TPDS3). Also called: Glioma susceptibility 9; Melanoma, cutaneous malignant, susceptibility to, 10; LONG TELOMERE SYNDROME, POT1-RELATED; POT1 Tumor Predisposition. Identifiers: Orphanet 618, MedGen C4014476, MONDO:0014368, OMIM 615848.
Hereditary cancer-predisposing syndrome. Also called: Hereditary Cancer Syndrome; Hereditary neoplastic syndrome; Neoplastic Syndromes, Hereditary; Tumor predisposition. Identifiers: Orphanet 140162, MedGen C0027672, MeSH D009386, MONDO:0015356.

Submissions (2):

Ambry Genetics
Classification: Uncertain significance for Hereditary cancer-predisposing syndrome. Last evaluated: 2024-08-07. Review status: criteria provided, single submitter. Criteria: Ambry Variant Classification Scheme 2023. Collection method: clinical testing. Allele origin: germline.
Comment: The c.1792+5G>T intronic variant results from a G to T substitution 5 nucleotides after coding exon 14 in the POT1 gene. This nucleotide position is highly conserved in available vertebrate species. In silico splice site analysis predicts that this alteration will not have any significant effect on splicing. Based on the available evidence, the clinical significance of this variant remains unclear.

Labcorp Genetics (formerly Invitae), Labcorp
Classification: Likely benign for Tumor predisposition syndrome 3. Last evaluated: 2023-09-18. Review status: criteria provided, single submitter. Criteria: Invitae Variant Classification Sherloc (09022015). Collection method: clinical testing. Allele origin: germline.

NM_015450.3(POT1):c.1792+5G>T

Gene: POT1 (protection of telomeres 1; minus strand). Cytogenetic location: 7q31.33.
Variant type: single nucleotide variant.
Coding change: c.1792+5G>T on transcript NM_015450.3 (MANE Select); 5 bases into the intron after coding-DNA position 1792, G replaced by T.
Molecular consequence: intron variant.
Genome position (GRCh38, 1-based): chr7:124,825,247, C>A on the plus strand (G>T on the coding strand, the complement: POT1 is on the minus strand). VCF-style: chr7-124825247-C-A. GRCh37 (hg19) VCF-style: chr7-124465301-C-A.
Other names: c.1399+5G>T (NM_001042594.2); c.1792+5G>T (NM_015450.2).
Identifiers: ClinVar variation 2759456 (VCV002759456.4), dbSNP rs2116407521, ClinGen allele CA2697557600.